The following is an entry in ClinVar:

NM_000069.3(CACNA1S):c.951C>A (p.Leu317=)

Gene: CACNA1S (calcium voltage-gated channel subunit alpha1 S; minus strand). Cytogenetic location: 1q32.1.
Variant type: single nucleotide variant.
Coding change: c.951C>A on transcript NM_000069.3 (MANE Select); coding-DNA position 951, C replaced by A.
Protein change: p.Leu317=; no amino-acid change (leucine 317 retained).
Molecular consequence: synonymous variant.
Genome position (GRCh38, 1-based): chr1:201,087,879, G>T on the plus strand (C>A on the coding strand, the complement: CACNA1S is on the minus strand). VCF-style: chr1-201087879-G-T. GRCh37 (hg19) VCF-style: chr1-201057007-G-T.
Identifiers: ClinVar variation 1658208 (VCV001658208.9), dbSNP rs773209639, ClinGen allele CA422693781.

ClinVar aggregate classification (germline): Likely benign. Review status: criteria provided, multiple submitters, no conflicts (2 of 4 stars). 2 submissions from 2 submitters: Likely benign (2). Last evaluated 2024-04-16.

Conditions:
Malignant hyperthermia, susceptibility to, 5 (MHS5). Also called: CACNA1S-Related Malignant Hyperthermia Susceptibility. Identifiers: Orphanet 423, MedGen C1866077, MONDO:0011163, OMIM 601887.
Hypokalemic periodic paralysis, type 1. Also called: Hypokalemic Periodic Paralysis Type 1 (AD); HypoPP. Identifiers: Orphanet 681, MedGen C3714580, MONDO:0042979, OMIM 170400.

Submissions (2):

All of Us Research Program, National Institutes of Health
Classification: Likely benign for Malignant hyperthermia, susceptibility to, 5. Last evaluated: 2024-04-16. Review status: criteria provided, single submitter. Criteria: ACMG Guidelines, 2015. Collection method: clinical testing. Allele origin: germline. Inheritance: Autosomal dominant inheritance. Observed: 1 variant allele, 1 heterozygote.
Comment: This study involves interpretation of variants in research participants for the purpose of population health screening. Participant phenotype was not available at the time of variant classification. Additional details can be found in publication PMID: 35346344, PMCID: PMC8962531

Labcorp Genetics (formerly Invitae), Labcorp
Classification: Likely benign for Hypokalemic periodic paralysis, type 1; Malignant hyperthermia, susceptibility to, 5. Last evaluated: 2021-06-30. Review status: criteria provided, single submitter. Criteria: Invitae Variant Classification Sherloc (09022015). Collection method: clinical testing. Allele origin: germline.